The following is an entry in ClinVar:

ClinVar aggregate classification (germline): Uncertain significance (1 of 4 stars; one submission).

Submission:

Labcorp Genetics (formerly Invitae), Labcorp
Classification: Uncertain significance. Last evaluated: 2024-05-04. Review status: criteria provided, single submitter. Criteria: Invitae Variant Classification Sherloc (09022015). Collection method: clinical testing. Allele origin: germline.
Comment: This sequence change falls in intron 25 of the LTBP4 gene. It does not directly change the encoded amino acid sequence of the LTBP4 protein. This variant is not present in population databases (gnomAD no frequency). This variant has not been reported in the literature in individuals affected with LTBP4-related conditions. Algorithms developed to predict the effect of sequence changes on RNA splicing suggest that this variant may create or strengthen a splice site. In summary, the available evidence is currently insufficient to determine the role of this variant in disease. Therefore, it has been classified as a Variant of Uncertain Significance.

NM_001042545.2(LTBP4):c.3217+10A>G

Gene: LTBP4 (latent transforming growth factor beta binding protein 4; plus strand). Cytogenetic location: 19q13.2.
Variant type: single nucleotide variant.
Coding change: c.3217+10A>G on transcript NM_001042545.2 (MANE Select); 10 bases into the intron after coding-DNA position 3217, A replaced by G.
Molecular consequence: intron variant.
Genome position (GRCh38, 1-based): chr19:40,619,503, A>G. VCF-style: chr19-40619503-A-G. GRCh37 (hg19) VCF-style: chr19-41125408-A-G.
Other names: c.3307+10A>G (NM_003573.2); c.3418+10A>G (NM_001042544.1).
Identifiers: ClinVar variation 3683473 (VCV003683473.2).